The following is an entry in ClinVar:

NM_001011658.4(TRAPPC2):c.*333G>A

Gene: TRAPPC2 (trafficking protein particle complex subunit 2; minus strand). Cytogenetic location: Xp22.2.
Variant type: single nucleotide variant.
Coding change: c.*333G>A on transcript NM_001011658.4 (MANE Select); 333 bases downstream of the stop codon, G replaced by A.
Molecular consequence: 3 prime UTR variant.
Genome position (GRCh38, 1-based): chrX:13,714,074, C>T on the plus strand (G>A on the coding strand, the complement: TRAPPC2 is on the minus strand). VCF-style: chrX-13714074-C-T. GRCh37 (hg19) VCF-style: chrX-13732193-C-T.
Other names: c.*333G>A (NM_001128835.3, NM_014563.6).
Identifiers: ClinVar variation 915065 (VCV000915065.4), dbSNP rs747205131, ClinGen allele CA326090887.

ClinVar aggregate classification (germline): Likely benign (1 of 4 stars; one submission).

Conditions:
Spondyloepiphyseal dysplasia tarda (SEDT). Also called: SPONDYLOEPIPHYSEAL DYSPLASIA, LATE. Identifiers: Orphanet 93284, MedGen CN033239, MONDO:0019667.

Allele frequency attached by ClinVar (database versions not stated): gnomAD 0.00003; 1000 Genomes Project 30x 0.00042; 1000 Genomes Project 0.00132.

Submission:

Illumina Laboratory Services, Illumina
Classification: Likely benign for Spondyloepiphyseal dysplasia tarda, X-linked. Last evaluated: 2018-01-13. Review status: criteria provided, single submitter. Criteria: ICSL Variant Classification Criteria 13 December 2019. Collection method: clinical testing. Allele origin: germline.
Comment: This variant was observed in the ICSL laboratory as part of a predisposition screen in an ostensibly healthy population. It had not been previously curated by ICSL or reported in the Human Gene Mutation Database (HGMD: prior to June 1st, 2018), and was therefore a candidate for classification through an automated scoring system. Utilizing variant allele frequency, disease prevalence and penetrance estimates, and inheritance mode, an automated score was calculated to assess if this variant is too frequent to cause the disease. Based on the score and internal cut-off values, a variant classified as likely benign is not then subjected to further curation. The score for this variant resulted in a classification of likely benign for this disease.